The following is an entry in ClinVar:

NM_153603.4(COG7):c.1445G>A (p.Cys482Tyr)

Gene: COG7 (component of oligomeric golgi complex 7; minus strand). Cytogenetic location: 16p12.2.
Variant type: single nucleotide variant.
Coding change: c.1445G>A on transcript NM_153603.4 (MANE Select); coding-DNA position 1445, G replaced by A.
Protein change: p.Cys482Tyr; replaces cysteine 482 with tyrosine.
Molecular consequence: missense variant.
Genome position (GRCh38, 1-based): chr16:23,410,325, C>T on the plus strand (G>A on the coding strand, the complement: COG7 is on the minus strand). VCF-style: chr16-23410325-C-T. GRCh37 (hg19) VCF-style: chr16-23421646-C-T.
Other names: c.1445G>A (NM_153603.3); short protein forms C482Y.
Identifiers: ClinVar variation 1515260 (VCV001515260.5), dbSNP rs376426601, ClinGen allele CA7960973.
Genomic context (GRCh38, chr16:23,410,325, plus strand): 5'-GTGTAGAGGACAATGACTCCTCTCTCCTACCTGTTGGCTAGCTGCTGCTCGAAGTCCCCA[C>T]AATGCCGCAAAAGCTCTCCACAGGTGGCTATTATCCTAAACAAAACAAAAAGCACTTCAA-3'
Protein context (NP_705831.1, residues 472-492): IATCGELLRH[Cys482Tyr]GDFEQQLANR

ClinVar aggregate classification (germline): Uncertain significance. Review status: criteria provided, multiple submitters, no conflicts (2 of 4 stars). 3 submissions from 3 submitters: Uncertain significance (3). Last evaluated 2023-06-29.

Conditions:
Inborn genetic diseases. Identifiers: MedGen C0950123, MeSH D030342.
COG7 congenital disorder of glycosylation (CDG2E). Also called: CDG IIe; CONGENITAL DISORDER OF GLYCOSYLATION, TYPE IIe. Identifiers: Orphanet 79333, MedGen C2931010, MONDO:0012118, OMIM 608779.

Allele frequency attached by ClinVar (database versions not stated): gnomAD exomes below 0.00001 and 0.00002; TOPMed 0.00001; gnomAD 0.00002; ExAC 0.00003.
gnomAD v4.1: 17 of 1,614,014 alleles (0.0011%); highest among the groups gnomAD compares: East Asian, 0.011%; no homozygotes.

Submissions (3):

Ambry Genetics
Classification: Uncertain significance for Inborn genetic diseases. Last evaluated: 2023-06-29. Review status: criteria provided, single submitter. Criteria: Ambry Variant Classification Scheme 2023. Collection method: clinical testing. Allele origin: germline.

Labcorp Genetics (formerly Invitae), Labcorp
Classification: Uncertain significance for COG7 congenital disorder of glycosylation. Last evaluated: 2022-07-26. Review status: criteria provided, single submitter. Criteria: Invitae Variant Classification Sherloc (09022015). Collection method: clinical testing. Allele origin: germline.
Comment: This sequence change replaces cysteine, which is neutral and slightly polar, with tyrosine, which is neutral and polar, at codon 482 of the COG7 protein (p.Cys482Tyr). This variant is present in population databases (rs376426601, gnomAD 0.03%). This variant has not been reported in the literature in individuals affected with COG7-related conditions. ClinVar contains an entry for this variant (Variation ID: 1515260). Algorithms developed to predict the effect of missense changes on protein structure and function are either unavailable or do not agree on the potential impact of this missense change (SIFT: "Deleterious"; PolyPhen-2: "Benign"; Align-GVGD: "Class C0"). In summary, the available evidence is currently insufficient to determine the role of this variant in disease. Therefore, it has been classified as a Variant of Uncertain Significance.

Fulgent Genetics
Classification: Uncertain significance for COG7 congenital disorder of glycosylation. Last evaluated: 2022-01-05. Review status: criteria provided, single submitter. Criteria: ACMG Guidelines, 2015. Collection method: clinical testing. Allele origin: unknown.